The following is an entry in ClinVar:

NM_001376.5(DYNC1H1):c.12258C>T (p.Thr4086=)

Gene: DYNC1H1 (dynein cytoplasmic 1 heavy chain 1; plus strand). Cytogenetic location: 14q32.31.
Variant type: single nucleotide variant.
Coding change: c.12258C>T on transcript NM_001376.5 (MANE Select); coding-DNA position 12258, C replaced by T.
Protein change: p.Thr4086=; no amino-acid change (threonine 4086 retained).
Molecular consequence: synonymous variant.
Genome position (GRCh38, 1-based): chr14:102,042,271, C>T. VCF-style: chr14-102042271-C-T. GRCh37 (hg19) VCF-style: chr14-102508608-C-T.
Identifiers: ClinVar variation 312655 (VCV000312655.26), dbSNP rs141242095, ClinGen allele CA7353874.

ClinVar aggregate classification (germline): Benign/Likely benign. Review status: criteria provided, multiple submitters, no conflicts (2 of 4 stars). 8 submissions from 7 submitters: Benign (2); Likely benign (5). 1 of the submissions does not count toward it. Last evaluated 2026-01-12.

Conditions:
DYNC1H1-related disorder. Also called: DYNC1H1-related condition; DYNC1H1-related disorders. Identifiers: MedGen CN381529.
Autosomal dominant cerebellar ataxia. Also called: Spinocerebellar Ataxia, Dominant. Identifiers: Orphanet 99, MedGen C4087347, MONDO:0020380.
Inborn genetic diseases. Identifiers: MedGen C0950123, MeSH D030342.
Charcot-Marie-Tooth disease axonal type 2O. Also called: CHARCOT-MARIE-TOOTH NEUROPATHY, AXONAL, TYPE 2O; CHARCOT-MARIE-TOOTH DISEASE, AXONAL, AUTOSOMAL DOMINANT, TYPE 2O; Charcot-Marie-Tooth Neuropathy Type 2O; Charcot-Marie-Tooth disease, axonal, type 20. Identifiers: Orphanet 284232, MedGen C3280220, MONDO:0013644, OMIM 614228.

Allele frequency attached by ClinVar (database versions not stated): gnomAD exomes 0.00029 and 0.00052; 1000 Genomes Project 30x 0.00047; ExAC 0.00052; gnomAD 0.00059 and 0.00066; 1000 Genomes Project 0.00060; ESP Exome Variant Server 0.00062; TOPMed 0.00062.
gnomAD v4.1: 544 of 1,614,042 alleles (0.034%); highest among the groups gnomAD compares: African/African-American, 0.14%; 4 homozygotes.

Submissions (8):

Labcorp Genetics (formerly Invitae), Labcorp
Classification: Benign for Charcot-Marie-Tooth disease axonal type 2O. Last evaluated: 2026-01-12. Review status: criteria provided, single submitter. Criteria: Invitae Variant Classification Sherloc (09022015). Collection method: clinical testing. Allele origin: germline.

Blueprint Genetics
Classification: Likely benign. Last evaluated: 2024-09-24. Review status: criteria provided, single submitter. Criteria: ACMG Guidelines, 2015. Collection method: clinical testing. Allele origin: germline.

ARUP Laboratories, Molecular Genetics and Genomics, ARUP Laboratories
Classification: Likely benign. Last evaluated: 2021-01-25. Review status: criteria provided, single submitter. Criteria: ARUP Molecular Germline Variant Investigation Process 2021. Collection method: clinical testing. Allele origin: germline.

GeneDx
Classification: Benign. Last evaluated: 2020-10-06. Review status: criteria provided, single submitter. Criteria: GeneDx Variant Classification Process June 2021. Collection method: clinical testing. Allele origin: germline. Affected: yes.

Illumina Laboratory Services, Illumina
Classification: Likely benign for Charcot-Marie-Tooth disease axonal type 2O. Last evaluated: 2018-01-13. Review status: criteria provided, single submitter. Criteria: ICSL Variant Classification Criteria 13 December 2019. Collection method: clinical testing. Allele origin: germline.
Comment: This variant was observed in the ICSL laboratory as part of a predisposition screen in an ostensibly healthy population. It had not been previously curated by ICSL or reported in the Human Gene Mutation Database (HGMD: prior to June 1st, 2018), and was therefore a candidate for classification through an automated scoring system. Utilizing variant allele frequency, disease prevalence and penetrance estimates, and inheritance mode, an automated score was calculated to assess if this variant is too frequent to cause the disease. Based on the score and internal cut-off values, a variant classified as likely benign is not then subjected to further curation. The score for this variant resulted in a classification of likely benign for this disease.

Illumina Laboratory Services, Illumina
Classification: Likely benign for Spinocerebellar Ataxia, Dominant. Last evaluated: 2018-01-13. Review status: criteria provided, single submitter. Criteria: ICSL Variant Classification Criteria 13 December 2019. Collection method: clinical testing. Allele origin: germline.
Comment: the same text as in the submission from Illumina Laboratory Services, Illumina above.

Ambry Genetics
Classification: Likely benign for Inborn genetic diseases. Last evaluated: 2017-09-06. Review status: criteria provided, single submitter. Criteria: Ambry Variant Classification Scheme 2023. Collection method: clinical testing. Allele origin: germline.

PreventionGenetics, part of Exact Sciences
Classification: Likely benign for DYNC1H1-related condition. Last evaluated: 2019-07-29. Review status: no assertion criteria provided. Collection method: clinical testing. Allele origin: germline. Not counted in ClinVar's aggregate classification.
Comment: This variant is classified as likely benign based on ACMG/AMP sequence variant interpretation guidelines (Richards et al. 2015 PMID: 25741868, with internal and published modifications).